The following is an entry in ClinVar:

NM_015213.4(DENND5A):c.590G>A (p.Ser197Asn)

Gene: DENND5A (DENN domain containing 5A; minus strand). Cytogenetic location: 11p15.4.
Variant type: single nucleotide variant.
Coding change: c.590G>A on transcript NM_015213.4 (MANE Select); coding-DNA position 590, G replaced by A.
Protein change: p.Ser197Asn; replaces serine 197 with asparagine.
Molecular consequence: missense variant. On other transcripts: non-coding transcript variant (1).
Genome position (GRCh38, 1-based): chr11:9,204,019, C>T on the plus strand (G>A on the coding strand, the complement: DENND5A is on the minus strand). VCF-style: chr11-9204019-C-T. GRCh37 (hg19) VCF-style: chr11-9225566-C-T.
Other names: c.590G>A, p.Ser197Asn (NM_001243254.2, NM_001348748.1); c.518G>A, p.Ser173Asn (NM_001348749.2); c.302G>A, p.Ser101Asn (NM_001348750.2); short protein forms S197N, S101N, S173N.
Identifiers: ClinVar variation 1948705 (VCV001948705.2), dbSNP rs1057352308, ClinGen allele CA217547802.
Genomic context (GRCh38, chr11:9,204,019, plus strand): 5'-TTCATGAAAGACATGGGTGTGATGAGGCAGATGCACTTAGAGACGTAGAGAGTGTCCCGG[C>T]TAATGTCATAGGAGTTGAAGCGCTGCAGTTTGGTCACAGGAGTGTCTTCACCATCCTCCA-3'
Protein context (NP_056028.2, residues 187-207): KLQRFNSYDI[Ser197Asn]RDTLYVSKCI

ClinVar aggregate classification (germline): Uncertain significance (1 of 4 stars; one submission).

Allele frequency attached by ClinVar (database versions not stated): gnomAD 0.00001; gnomAD exomes 0.00001; TOPMed 0.00002.

Submission:

Labcorp Genetics (formerly Invitae), Labcorp
Classification: Uncertain significance. Last evaluated: 2022-03-18. Review status: criteria provided, single submitter. Criteria: Invitae Variant Classification Sherloc (09022015). Collection method: clinical testing. Allele origin: germline.
Comment: This sequence change replaces serine, which is neutral and polar, with asparagine, which is neutral and polar, at codon 197 of the DENND5A protein (p.Ser197Asn). This variant is not present in population databases (gnomAD no frequency). This variant has not been reported in the literature in individuals affected with DENND5A-related conditions. Algorithms developed to predict the effect of missense changes on protein structure and function (SIFT, PolyPhen-2, Align-GVGD) all suggest that this variant is likely to be tolerated. In summary, the available evidence is currently insufficient to determine the role of this variant in disease. Therefore, it has been classified as a Variant of Uncertain Significance.